The following is an entry in ClinVar:

NM_001127208.3(TET2):c.3501-13G>A

Genes: TET2 (tet methylcytosine dioxygenase 2; plus strand), TET2-AS1 (TET2 antisense RNA 1; minus strand). Cytogenetic location: 4q24.
Variant type: single nucleotide variant.
Coding change: c.3501-13G>A on transcript NM_001127208.3 (MANE Select); 13 bases into the intron before coding-DNA position 3501, G replaced by A.
Molecular consequence: intron variant.
Genome position (GRCh38, 1-based): chr4:105,242,821, G>A. VCF-style: chr4-105242821-G-A. GRCh37 (hg19) VCF-style: chr4-106163978-G-A.
Identifiers: ClinVar variation 4725913 (VCV004725913.1).
Genomic context (GRCh38, chr4:105,242,821, plus strand): 5'-TTCAAATATTTTGATTGCCTCTTGAATTCATTTGCTAATTGTATGTGTGTGTGTTTCTGT[G>A]GGTTTCTTTAAGGTTTGGACAGAAGGGTAAAGCTATTAGGATTGAAAGAGTCATCTATAC-3'

ClinVar aggregate classification (germline): Uncertain significance (1 of 4 stars; one submission).

gnomAD v4.1: 1 of 1,547,600 alleles (0.000065%); highest among the groups gnomAD compares: Non-Finnish European, 0.000087%; no homozygotes.

Submission:

Labcorp Genetics (formerly Invitae), Labcorp
Classification: Uncertain significance. Last evaluated: 2025-08-24. Review status: criteria provided, single submitter. Criteria: Invitae Variant Classification Sherloc (09022015). Collection method: clinical testing. Allele origin: germline.
Comment: This sequence change falls in intron 4 of the TET2 gene. It does not directly change the encoded amino acid sequence of the TET2 protein. This variant is not present in population databases (gnomAD no frequency). This variant has not been reported in the literature in individuals affected with TET2-related conditions. Algorithms developed to predict the effect of sequence changes on RNA splicing suggest that this variant may disrupt the consensus splice site. In summary, the available evidence is currently insufficient to determine the role of this variant in disease. Therefore, it has been classified as a Variant of Uncertain Significance.